The following is an entry in ClinVar:

NM_000095.3(COMP):c.867+5G>A

Gene: COMP (cartilage oligomeric matrix protein; minus strand). Cytogenetic location: 19p13.11.
Variant type: single nucleotide variant.
Coding change: c.867+5G>A on transcript NM_000095.3 (MANE Select); 5 bases into the intron after coding-DNA position 867, G replaced by A.
Molecular consequence: intron variant.
Genome position (GRCh38, 1-based): chr19:18,788,405, C>T on the plus strand (G>A on the coding strand, the complement: COMP is on the minus strand). VCF-style: chr19-18788405-C-T. GRCh37 (hg19) VCF-style: chr19-18899214-C-T.
Identifiers: ClinVar variation 1006985 (VCV001006985.6), dbSNP rs2055185782, ClinGen allele CA2326526858.

ClinVar aggregate classification (germline): Uncertain significance (1 of 4 stars; one submission).

Submission:

Labcorp Genetics (formerly Invitae), Labcorp
Classification: Uncertain significance. Last evaluated: 2020-05-20. Review status: criteria provided, single submitter. Criteria: Invitae Variant Classification Sherloc (09022015). Collection method: clinical testing. Allele origin: germline.
Comment: In summary, the available evidence is currently insufficient to determine the role of this variant in disease. Therefore, it has been classified as a Variant of Uncertain Significance. Nucleotide substitutions within the consensus splice site are a relatively common cause of aberrant splicing (PMID: 17576681, 9536098). Algorithms developed to predict the effect of sequence changes on RNA splicing suggest that this variant may disrupt the consensus splice site, but this prediction has not been confirmed by published transcriptional studies. This variant has not been reported in the literature in individuals with COMP-related conditions. This variant is not present in population databases (ExAC no frequency). This sequence change falls in intron 8 of the COMP gene. It does not directly change the encoded amino acid sequence of the COMP protein, but it affects a nucleotide within the consensus splice site of the intron.

Literature cited by the submitters: PubMed 17576681; PubMed 9536098.